The following is an entry in ClinVar:

ClinVar aggregate classification (germline): Uncertain significance (1 of 4 stars; one submission).

Conditions:
Peroxisome biogenesis disorder, complementation group 7 (CG7). Also called: Peroxisome biogenesis disorder, complementation group B. Identifiers: MedGen C1864399.

Submission:

Labcorp Genetics (formerly Invitae), Labcorp
Classification: Uncertain significance for Peroxisome biogenesis disorder, complementation group 7. Last evaluated: 2024-01-18. Review status: criteria provided, single submitter. Criteria: Invitae Variant Classification Sherloc (09022015). Collection method: clinical testing. Allele origin: germline.
Comment: This sequence change replaces alanine, which is neutral and non-polar, with threonine, which is neutral and polar, at codon 325 of the PEX10 protein (p.Ala325Thr). This variant is not present in population databases (gnomAD no frequency). This variant has not been reported in the literature in individuals affected with PEX10-related conditions. ClinVar contains an entry for this variant (Variation ID: 1521300). Algorithms developed to predict the effect of missense changes on protein structure and function output the following: SIFT: "Not Available"; PolyPhen-2: "Benign"; Align-GVGD: "Not Available". The threonine amino acid residue is found in multiple mammalian species, which suggests that this missense change does not adversely affect protein function. In summary, the available evidence is currently insufficient to determine the role of this variant in disease. Therefore, it has been classified as a Variant of Uncertain Significance.

NM_002617.4(PEX10):c.913G>A (p.Ala305Thr)

Gene: PEX10 (peroxisomal biogenesis factor 10; minus strand). Cytogenetic location: 1p36.32.
Variant type: single nucleotide variant.
Coding change: c.913G>A on transcript NM_002617.4 (MANE Select); coding-DNA position 913, G replaced by A.
Protein change: p.Ala305Thr; replaces alanine 305 with threonine.
Molecular consequence: missense variant. On other transcripts: non-coding transcript variant (1).
Genome position (GRCh38, 1-based): chr1:2,405,834, C>T on the plus strand (G>A on the coding strand, the complement: PEX10 is on the minus strand). VCF-style: chr1-2405834-C-T. GRCh37 (hg19) VCF-style: chr1-2337273-C-T.
Other names: c.970G>A, p.Ala324Thr (NM_001374425.1); c.538G>A, p.Ala180Thr (NM_001374426.1); c.481G>A, p.Ala161Thr (NM_001374427.1); c.973G>A, p.Ala325Thr (NM_153818.2); short protein forms A325T, A161T, A180T, A324T, A305T.
Identifiers: ClinVar variation 1521300 (VCV001521300.8), dbSNP rs2100419175, ClinGen allele CA337983075.